The following is an entry in ClinVar:

ClinVar aggregate classification (germline): Uncertain significance (1 of 4 stars; one submission).

Submission:

GeneDx
Classification: Uncertain significance. Last evaluated: 2024-11-26. Review status: criteria provided, single submitter. Criteria: GeneDx Variant Classification Process June 2021. Collection method: clinical testing. Allele origin: germline. Affected: yes.
Comment: Not observed at significant frequency in large population cohorts (gnomAD); In silico analysis supports that this missense variant has a deleterious effect on protein structure/function; Has not been previously published as pathogenic or benign to our knowledge

NM_001385012.1(NBEA):c.8429G>A (p.Cys2810Tyr)

Gene: NBEA (neurobeachin; plus strand). Cytogenetic location: 13q13.3.
Variant type: single nucleotide variant.
Coding change: c.8429G>A on transcript NM_001385012.1 (MANE Select); coding-DNA position 8429, G replaced by A.
Protein change: p.Cys2810Tyr; replaces cysteine 2810 with tyrosine.
Molecular consequence: missense variant.
Genome position (GRCh38, 1-based): chr13:35,665,151, G>A. VCF-style: chr13-35665151-G-A. GRCh37 (hg19) VCF-style: chr13-36239288-G-A.
Other names: c.1745G>A, p.Cys582Tyr (NM_001204197.3); c.8420G>A, p.Cys2807Tyr (NM_001379245.1); c.8366G>A, p.Cys2789Tyr (NM_015678.5); short protein forms C2789Y, C2807Y, C2810Y, C582Y.
Identifiers: ClinVar variation 3900931 (VCV003900931.1).
Genomic context (GRCh38, chr13:35,665,151, plus strand): 5'-ATCCGGCACCAAGAGCCGTCCTCACAGGCCATGACCATGAAGTTGTCTGTGTTTCTGTCT[G>A]TGCAGAACTTGGGCTTGTTATCAGTGGTGCTAAAGGTCAGAAGTCATTTCTTTCATTTTC-3'
Protein context (NP_001371941.1, residues 2800-2820): HDHEVVCVSV[Cys2810Tyr]AELGLVISGA